The following is an entry in ClinVar:

NM_000465.4(BARD1):c.2171C>G (p.Ala724Gly)

Gene: BARD1 (BRCA1 associated RING domain 1; minus strand). Cytogenetic location: 2q35.
Variant type: single nucleotide variant.
Coding change: c.2171C>G on transcript NM_000465.4 (MANE Select); coding-DNA position 2171, C replaced by G.
Protein change: p.Ala724Gly; replaces alanine 724 with glycine.
Molecular consequence: missense variant. On other transcripts: non-coding transcript variant (3).
Genome position (GRCh38, 1-based): chr2:214,728,839, G>C on the plus strand (C>G on the coding strand, the complement: BARD1 is on the minus strand). VCF-style: chr2-214728839-G-C. GRCh37 (hg19) VCF-style: chr2-215593563-G-C.
Other names: c.2114C>G, p.Ala705Gly (NM_001282543.2); c.818C>G, p.Ala273Gly (NM_001282545.2); c.761C>G, p.Ala254Gly (NM_001282548.2); c.632C>G, p.Ala211Gly (NM_001282549.2); short protein forms A211G, A254G, A273G, A724G, A705G.
Identifiers: ClinVar variation 842679 (VCV000842679.14), dbSNP rs587782662, ClinGen allele CA350450387.
Genomic context (GRCh38, chr2:214,728,839, plus strand): 5'-TTACACAAATCTTCATAGATGATATACTGTGTGCAGAAGCGCTGATCAGAATCGGGTCTC[G>C]CATGGTATGCGACTGTATTGATGGTCTGAGTCACGTCACTGTCTGGCTTGGGCTTTCTAC-3'
Protein context (NP_000456.2, residues 714-734): TQTINTVAYH[Ala724Gly]RPDSDQRFCT

ClinVar aggregate classification (germline): Uncertain significance. Review status: criteria provided, multiple submitters, no conflicts (2 of 4 stars). 3 submissions from 3 submitters: Uncertain significance (3). Last evaluated 2025-05-25.

Conditions:
Familial cancer of breast. Also called: hereditary breast carcinoma; BREAST CANCER, FAMILIAL; Hereditary breast cancer. Identifiers: Orphanet 227535, MedGen C0346153, MONDO:0016419, OMIM 114480. Disease mechanism: loss of function.
Hereditary cancer-predisposing syndrome. Also called: Hereditary Cancer Syndrome; Hereditary neoplastic syndrome; Tumor predisposition; Neoplastic Syndromes, Hereditary. Identifiers: Orphanet 140162, MedGen C0027672, MeSH D009386, MONDO:0015356.

Submissions (3):

Ambry Genetics
Classification: Uncertain significance for Hereditary cancer-predisposing syndrome. Last evaluated: 2025-05-25. Review status: criteria provided, single submitter. Criteria: Ambry Variant Classification Scheme 2023. Collection method: clinical testing. Allele origin: germline.
Comment: The p.A724G variant (also known as c.2171C>G), located in coding exon 11 of the BARD1 gene, results from a C to G substitution at nucleotide position 2171. The alanine at codon 724 is replaced by glycine, an amino acid with similar properties. This amino acid position is conserved. In addition, this alteration is predicted to be deleterious by in silico analysis. Since supporting evidence is limited at this time, the clinical significance of this alteration remains unclear.

Labcorp Genetics (formerly Invitae), Labcorp
Classification: Uncertain significance for Familial cancer of breast. Last evaluated: 2023-05-30. Review status: criteria provided, single submitter. Criteria: Invitae Variant Classification Sherloc (09022015). Collection method: clinical testing. Allele origin: germline.
Comment: In summary, the available evidence is currently insufficient to determine the role of this variant in disease. Therefore, it has been classified as a Variant of Uncertain Significance. This sequence change replaces alanine, which is neutral and non-polar, with glycine, which is neutral and non-polar, at codon 724 of the BARD1 protein (p.Ala724Gly). This variant is not present in population databases (gnomAD no frequency). This variant has not been reported in the literature in individuals affected with BARD1-related conditions. ClinVar contains an entry for this variant (Variation ID: 842679). An algorithm developed to predict the effect of missense changes on protein structure and function (PolyPhen-2) suggests that this variant is likely to be disruptive.

GeneDx
Classification: Uncertain significance. Last evaluated: 2023-02-27. Review status: criteria provided, single submitter. Criteria: GeneDx Variant Classification Process June 2021. Collection method: clinical testing. Allele origin: germline. Affected: yes.
Comment: Not observed at significant frequency in large population cohorts (gnomAD); In silico analysis supports that this missense variant has a deleterious effect on protein structure/function; Has not been previously published as pathogenic or benign to our knowledge; This variant is associated with the following publications: (PMID: 17550235, 29292755, 31133068)